The following is an entry in ClinVar:

NM_004991.4(MECOM):c.2623A>G (p.Met875Val)

Gene: MECOM (MDS1 and EVI1 complex locus; minus strand). Cytogenetic location: 3q26.2.
Variant type: single nucleotide variant.
Coding change: c.2623A>G on transcript NM_004991.4 (MANE Select); coding-DNA position 2623, A replaced by G.
Protein change: p.Met875Val; replaces methionine 875 with valine.
Molecular consequence: missense variant.
Genome position (GRCh38, 1-based): chr3:169,102,208, T>C on the plus strand (A>G on the coding strand, the complement: MECOM is on the minus strand). VCF-style: chr3-169102208-T-C. GRCh37 (hg19) VCF-style: chr3-168819996-T-C.
Other names: c.2254A>G, p.Met752Val (NM_001105077.4); c.2059A>G, p.Met687Val (NM_001105078.4, NM_001205194.2, NM_001366469.2 and 1 more transcripts); c.2035A>G, p.Met679Val (NM_001163999.2, NM_001366470.2); c.2032A>G, p.Met678Val (NM_001164000.2, NM_001366471.2, NM_001366472.2); c.2596A>G, p.Met866Val (NM_001366466.2); c.2062A>G, p.Met688Val (NM_001366467.2, NM_001366468.2); c.1624A>G, p.Met542Val (NM_001366473.2); c.1060A>G, p.Met354Val (NM_001366474.2); short protein forms M354V, M542V, M678V, M679V, M687V, M688V, M752V, M866V.
Identifiers: ClinVar variation 4859741 (VCV004859741.1).

ClinVar aggregate classification (germline): Uncertain significance (1 of 4 stars; one submission).

Conditions:
Inborn genetic diseases. Identifiers: MedGen C0950123, MeSH D030342.

gnomAD v4.1: 2 of 1,613,112 alleles (0.00012%); highest among the groups gnomAD compares: Non-Finnish European, 0.000085%; no homozygotes.

Submission:

Ambry Genetics
Classification: Uncertain significance for Inborn genetic diseases. Last evaluated: 2026-04-19. Review status: criteria provided, single submitter. Criteria: Ambry Variant Classification Scheme 2023. Collection method: clinical testing. Allele origin: germline.
Comment: The p.M875V variant (also known as c.2623A>G), located in coding exon 11 of the MECOM gene, results from an A to G substitution at nucleotide position 2623. The methionine at codon 875 is replaced by valine, an amino acid with highly similar properties. This amino acid position is conserved. In addition, the in silico prediction for this alteration is inconclusive. Based on the available evidence, the clinical significance of this variant remains unclear.